The following is an entry in ClinVar:

ClinVar aggregate classification (germline): Pathogenic/Likely pathogenic. Review status: criteria provided, multiple submitters, no conflicts (2 of 4 stars). 4 submissions from 4 submitters: Pathogenic (1); Likely pathogenic (2). 1 of the submissions does not count toward it. Last evaluated 2025-05-29.

Conditions:
Autosomal recessive congenital ichthyosis 1 (LI1). Also called: ICHTHYOSIS CONGENITA; ICHTHYOSIS CONGENITA II; LAMELLAR EXFOLIATION OF NEWBORN; ICHTHYOSIS, CONGENITAL, AUTOSOMAL RECESSIVE 1, WITH BATHING SUIT DISTRIBUTION; ICHTHYOSIS, CONGENITAL, AUTOSOMAL RECESSIVE 1, WITH OR WITHOUT BATHING SUIT DISTRIBUTION; COLLODION FETUS. Identifiers: MedGen C4551630, MONDO:0009441, OMIM 242300.

Allele frequency attached by ClinVar (database versions not stated): gnomAD exomes 0.00001 and 0.00003; TOPMed 0.00002; gnomAD 0.00003 and 0.00004.
gnomAD v4.1: 19 of 1,614,090 alleles (0.0012%); highest among the groups gnomAD compares: Admixed American, 0.01%; no homozygotes.

Submissions (4):

Myriad Genetics, Inc.
Classification: Likely pathogenic for Autosomal recessive congenital ichthyosis 1. Last evaluated: 2025-05-29. Review status: criteria provided, single submitter. Criteria: Myriad Autosomal Dominant, Autosomal Recessive and X-Linked Classification Criteria (2023). Collection method: clinical testing. Allele origin: unknown.
Comment: NM_000359.2(TGM1):c.1631A>G(Y544C) is a missense variant classified as likely pathogenic in the context of TGM1-related autosomal recessive congenital ichthyosis. Y544C has been observed in cases with relevant disease (PMID: 18948357, 31642606, 30302839, Abad_2013_(thesis)). Relevant functional assessments of this variant are not available in the literature. Internal structural analysis of the variant is supportive of pathogenicity. Y544C has been observed in referenced population frequency databases. In summary, NM_000359.2(TGM1):c.1631A>G(Y544C) is a missense variant that has internal structural support for pathogenicity and has been observed more frequently in cases with the relevant disease than in healthy populations. Please note: this variant was assessed in the context of healthy population screening.

Natera, Inc.
Classification: Likely pathogenic for Autosomal recessive congenital ichthyosis type 1. Last evaluated: 2024-11-19. Review status: criteria provided, single submitter. Criteria: Natera Variant Classification Schema (03/2026). Collection method: clinical testing. Allele origin: germline.
Comment: The c.1631A>G variant in TGM1 is a missense variant predicted to cause substitution of tyrosine to cysteine at amino acid 544. This variant is rare in the general population with a frequency below the threshold expected for the associated phenotype(s). This variant has been observed in one or more individuals affected with the associated recessive disease, as either homozygous or compound heterozygous with a second variant (PMID: 31642606, 30302839). Computational prediction algorithms indicate this variant is likely to affect gene or protein function. Given the available evidence, this variant is classified as Likely Pathogenic.

Labcorp Genetics (formerly Invitae), Labcorp
Classification: Pathogenic. Last evaluated: 2024-11-03. Review status: criteria provided, single submitter. Criteria: Invitae Variant Classification Sherloc (09022015). Collection method: clinical testing. Allele origin: germline.
Comment: This sequence change replaces tyrosine, which is neutral and polar, with cysteine, which is neutral and slightly polar, at codon 544 of the TGM1 protein (p.Tyr544Cys). This variant is present in population databases (no rsID available, gnomAD 0.01%). This missense change has been observed in individual(s) with clinical features of congenital ichthyosis (PMID: 18948357, 30302839; internal data). In at least one individual the data is consistent with being in trans (on the opposite chromosome) from a pathogenic variant. ClinVar contains an entry for this variant (Variation ID: 550231). Invitae Evidence Modeling of protein sequence and biophysical properties (such as structural, functional, and spatial information, amino acid conservation, physicochemical variation, residue mobility, and thermodynamic stability) indicates that this missense variant is expected to disrupt TGM1 protein function with a positive predictive value of 95%. Algorithms developed to predict the effect of sequence changes on RNA splicing suggest that this variant may create or strengthen a splice site. For these reasons, this variant has been classified as Pathogenic.

Counsyl
Classification: Uncertain significance for Autosomal recessive congenital ichthyosis 1. Last evaluated: 2016-12-23. Review status: no assertion criteria provided. Collection method: clinical testing. Allele origin: unknown. Not counted in ClinVar's aggregate classification.

Literature cited by the submitters: PubMed 31642606 (cited by Natera, Inc.); PubMed 30302839 (cited by Natera, Inc. and Labcorp Genetics (formerly Invitae), Labcorp); PubMed 18948357 (cited by Labcorp Genetics (formerly Invitae), Labcorp and Counsyl).

NM_000359.3(TGM1):c.1631A>G (p.Tyr544Cys)

Gene: TGM1 (transglutaminase 1; minus strand). Cytogenetic location: 14q12.
Variant type: single nucleotide variant.
Coding change: c.1631A>G on transcript NM_000359.3 (MANE Select); coding-DNA position 1631, A replaced by G.
Protein change: p.Tyr544Cys; replaces tyrosine 544 with cysteine.
Molecular consequence: missense variant.
Genome position (GRCh38, 1-based): chr14:24,255,378, T>C on the plus strand (A>G on the coding strand, the complement: TGM1 is on the minus strand). VCF-style: chr14-24255378-T-C. GRCh37 (hg19) VCF-style: chr14-24724584-T-C.
Other names: short protein forms Y544C.
Identifiers: ClinVar variation 550231 (VCV000550231.10), dbSNP rs1044429462, ClinGen allele CA257893154.
Genomic context (GRCh38, chr14:24,255,378, plus strand): 5'-ACACTTGTTGTGGGGCCCAGAGCTGGCTGGGTTGGGGGAATGGTACCTTCTGGGTGCTTA[T>C]AGAGGTAGGTGATGTCCTCCCGCATGTTGGAGCTGATGGCCTTTGTGACAATGAGTGTGC-3'
Protein context (NP_000350.1, residues 534-554): SNMREDITYL[Tyr544Cys]KHPEGSDAER